The following is an entry in ClinVar:

NM_020949.3(SLC7A14):c.1947G>C (p.Lys649Asn)

Genes: SLC7A14 (solute carrier family 7 member 14; minus strand), SLC7A14-AS1 (SLC7A14 antisense RNA 1; plus strand). Cytogenetic location: 3q26.2.
Variant type: single nucleotide variant.
Coding change: c.1947G>C on transcript NM_020949.3 (MANE Select); coding-DNA position 1947, G replaced by C.
Protein change: p.Lys649Asn; replaces lysine 649 with asparagine.
Molecular consequence: missense variant.
Genome position (GRCh38, 1-based): chr3:170,480,335, C>G on the plus strand (G>C on the coding strand, the complement: SLC7A14 is on the minus strand). VCF-style: chr3-170480335-C-G. GRCh37 (hg19) VCF-style: chr3-170198124-C-G.
Other names: short protein forms K649N.
Identifiers: ClinVar variation 3668566 (VCV003668566.2).

ClinVar aggregate classification (germline): Uncertain significance (1 of 4 stars; one submission).

gnomAD v4.1: 1 of 1,573,576 alleles (0.000064%); highest among the groups gnomAD compares: Admixed American, 0.0018%; no homozygotes.

Submission:

Labcorp Genetics (formerly Invitae), Labcorp
Classification: Uncertain significance. Last evaluated: 2024-06-21. Review status: criteria provided, single submitter. Criteria: Invitae Variant Classification Sherloc (09022015). Collection method: clinical testing. Allele origin: germline.
Comment: This sequence change replaces lysine, which is basic and polar, with asparagine, which is neutral and polar, at codon 649 of the SLC7A14 protein (p.Lys649Asn). This variant is not present in population databases (gnomAD no frequency). This variant has not been reported in the literature in individuals affected with SLC7A14-related conditions. An algorithm developed to predict the effect of missense changes on protein structure and function (PolyPhen-2) suggests that this variant is likely to be disruptive. In summary, the available evidence is currently insufficient to determine the role of this variant in disease. Therefore, it has been classified as a Variant of Uncertain Significance.